The following is an entry in ClinVar:

ClinVar aggregate classification (germline): Uncertain significance (1 of 4 stars; one submission).

Conditions:
Ichthyosis linearis circumflexa. Identifiers: MedGen C0265962, MONDO:0043106, HP:0025810.

Submission:

Labcorp Genetics (formerly Invitae), Labcorp
Classification: Uncertain significance for Ichthyosis linearis circumflexa. Last evaluated: 2022-01-17. Review status: criteria provided, single submitter. Criteria: Invitae Variant Classification Sherloc (09022015). Collection method: clinical testing. Allele origin: germline.
Comment: In summary, the available evidence is currently insufficient to determine the role of this variant in disease. Therefore, it has been classified as a Variant of Uncertain Significance. Experimental studies and prediction algorithms are not available or were not evaluated, and the functional significance of this variant is currently unknown. This variant has not been reported in the literature in individuals affected with SPINK5-related conditions. This variant is not present in population databases (gnomAD no frequency). This variant, c.1239_1241del, results in the deletion of 1 amino acid(s) of the SPINK5 protein (p.Lys417del), but otherwise preserves the integrity of the reading frame.

NM_006846.4(SPINK5):c.1239_1241del (p.Lys417del)

Gene: SPINK5 (serine peptidase inhibitor Kazal type 5; plus strand). Cytogenetic location: 5q32.
Variant type: Deletion.
Coding change: c.1239_1241del on transcript NM_006846.4 (MANE Select); coding-DNA positions 1239 to 1241, 3 bases deleted (AAA; older notation c.1239_1241delAAA).
Protein change: p.Lys417del; deletes lysine 417.
Molecular consequence: inframe deletion.
Genome position (GRCh38, 1-based): chr5:148,101,373-148,101,375, AAA deleted; deleting any 3 consecutive bases within chr5:148,101,372-148,101,375 gives the same sequence; the c. name uses the placement nearest the transcript's 3' end. VCF-style (leftmost placement, unchanged base first): chr5-148101371-GAAA-G. GRCh37 (hg19) VCF-style: chr5-147480934-GAAA-G.
Other names: c.1239_1241del, p.Lys417del (NM_001127698.2, NM_001127699.2); short protein forms K417del.
Identifiers: ClinVar variation 2050888 (VCV002050888.4), dbSNP rs2531728843, ClinGen allele CA2580073037.
Genomic context (GRCh38, chr5:148,101,371, plus strand): 5'-ATTCTATGATTTTTACTTATCTCTTCTTAACCATCCTTTTTTAGCCAAGCAGAAGAAGAA[GAAA>G]AGAAAAAGAAGGAAGGTAAATCAAGAAACAAAAGACAATCTAAGAGTACAGCTTCCTTTG-3'